The following is an entry in ClinVar:

ClinVar aggregate classification (germline): Uncertain significance (1 of 4 stars; one submission).

Conditions:
Combined immunodeficiency due to DOCK8 deficiency (HIES2). Also called: HIES autosomal recessive; HYPER-IgE SYNDROME 2, AUTOSOMAL RECESSIVE, WITH RECURRENT INFECTIONS; Hyper-IgE recurrent infection syndrome, autosomal recessive; HYPER-IgE RECURRENT INFECTION SYNDROME 2, AUTOSOMAL RECESSIVE; DOCK8 Deficiency. Identifiers: Orphanet 217390, MedGen C4722305, MONDO:0009478, OMIM 243700.

gnomAD v4.1: 1 of 1,614,242 alleles (0.000062%); highest among the groups gnomAD compares: Non-Finnish European, 0.000085%; no homozygotes.

Submission:

Labcorp Genetics (formerly Invitae), Labcorp
Classification: Uncertain significance for Combined immunodeficiency due to DOCK8 deficiency. Last evaluated: 2024-05-08. Review status: criteria provided, single submitter. Criteria: Invitae Variant Classification Sherloc (09022015). Collection method: clinical testing. Allele origin: germline.
Comment: This sequence change replaces histidine, which is basic and polar, with aspartic acid, which is acidic and polar, at codon 1923 of the DOCK8 protein (p.His1923Asp). This variant is not present in population databases (gnomAD no frequency). This variant has not been reported in the literature in individuals affected with DOCK8-related conditions. Advanced modeling of protein sequence and biophysical properties (such as structural, functional, and spatial information, amino acid conservation, physicochemical variation, residue mobility, and thermodynamic stability) has been performed at Invitae for this missense variant, however the output from this modeling did not meet the statistical confidence thresholds required to predict the impact of this variant on DOCK8 protein function. In summary, the available evidence is currently insufficient to determine the role of this variant in disease. Therefore, it has been classified as a Variant of Uncertain Significance.

NM_203447.4(DOCK8):c.5767C>G (p.His1923Asp)

Gene: DOCK8 (dedicator of cytokinesis 8; plus strand). Cytogenetic location: 9p24.3.
Variant type: single nucleotide variant.
Coding change: c.5767C>G on transcript NM_203447.4 (MANE Select); coding-DNA position 5767, C replaced by G.
Protein change: p.His1923Asp; replaces histidine 1923 with aspartic acid.
Molecular consequence: missense variant.
Genome position (GRCh38, 1-based): chr9:446,556, C>G. VCF-style: chr9-446556-C-G. GRCh37 (hg19) VCF-style: chr9-446556-C-G.
Other names: c.5563C>G, p.His1855Asp (NM_001193536.2); c.5467C>G, p.His1823Asp (NM_001190458.2); short protein forms H1923D, H1855D, H1823D.
Identifiers: ClinVar variation 3652736 (VCV003652736.2).